The following is an entry in ClinVar:

ClinVar aggregate classification (germline): Conflicting classifications of pathogenicity. Review status: criteria provided, conflicting classifications (1 of 4 stars). 3 submissions from 3 submitters: Uncertain significance (1); Likely benign (1). 1 of the submissions does not count toward it. Last evaluated 2025-12-31.

Conditions:
SLC25A19-related disorder. Also called: SLC25A19-related condition.

Allele frequency attached by ClinVar (database versions not stated): ESP Exome Variant Server 0.00008; TOPMed 0.00010; gnomAD exomes 0.00025; 1000 Genomes Project 30x 0.00031; 1000 Genomes Project 0.00040.
gnomAD v4.1: 262 of 1,614,082 alleles (0.016%); highest among the groups gnomAD compares: East Asian, 0.54%; 2 homozygotes.

Submissions (3):

Labcorp Genetics (formerly Invitae), Labcorp
Classification: Likely benign. Last evaluated: 2025-12-31. Review status: criteria provided, single submitter. Criteria: Invitae Variant Classification Sherloc (09022015). Collection method: clinical testing. Allele origin: germline.

Mayo Clinic Laboratories, Mayo Clinic
Classification: Uncertain significance. Last evaluated: 2023-10-12. Review status: criteria provided, single submitter. Criteria: ACMG Guidelines, 2015. Collection method: clinical testing. Allele origin: germline. Observed: 1 variant allele.

PreventionGenetics, part of Exact Sciences
Classification: Likely benign for SLC25A19-related condition. Last evaluated: 2019-12-19. Review status: no assertion criteria provided. Collection method: clinical testing. Allele origin: germline. Not counted in ClinVar's aggregate classification.
Comment: This variant is classified as likely benign based on ACMG/AMP sequence variant interpretation guidelines (Richards et al. 2015 PMID: 25741868, with internal and published modifications).

NM_001126121.2(SLC25A19):c.484G>A (p.Val162Met)

Gene: SLC25A19 (solute carrier family 25 member 19; minus strand). Cytogenetic location: 17q25.1.
Variant type: single nucleotide variant.
Coding change: c.484G>A on transcript NM_001126121.2 (MANE Select); coding-DNA position 484, G replaced by A.
Protein change: p.Val162Met; replaces valine 162 with methionine.
Molecular consequence: missense variant.
Genome position (GRCh38, 1-based): chr17:75,278,311, C>T on the plus strand (G>A on the coding strand, the complement: SLC25A19 is on the minus strand). VCF-style: chr17-75278311-C-T. GRCh37 (hg19) VCF-style: chr17-73274392-C-T.
Other names: p.Val162Met; c.484G>A (NM_021734.4); c.484G>A, p.Val162Met (NM_001126122.2, NM_021734.5); short protein forms V162M.
Identifiers: ClinVar variation 1611961 (VCV001611961.11), dbSNP rs138452752, ClinGen allele CA8760975.
Genomic context (GRCh38, chr17:75,278,311, plus strand): 5'-AGGTGGGAGCCAAGCCTTTGTAGAAAACCTGGGGGCCTTCGCTCCTATACATGGTCCCCA[C>T]GGCGTGGCGCAGCGTATTATAGACCTGGACACACACACGCACTTTGAATGAGCTCAGTGA-3'
Protein context (NP_001119593.1, residues 152-172): PKVYNTLRHA[Val162Met]GTMYRSEGPQ